The following is an entry in ClinVar:

NM_006947.4(SRP72):c.337G>A (p.Glu113Lys)

Gene: SRP72 (signal recognition particle 72; plus strand). Cytogenetic location: 4q12.
Variant type: single nucleotide variant.
Coding change: c.337G>A on transcript NM_006947.4 (MANE Select); coding-DNA position 337, G replaced by A.
Protein change: p.Glu113Lys; replaces glutamic acid 113 with lysine.
Molecular consequence: missense variant. On other transcripts: non-coding transcript variant (1).
Genome position (GRCh38, 1-based): chr4:56,471,826, G>A. VCF-style: chr4-56471826-G-A. GRCh37 (hg19) VCF-style: chr4-57337992-G-A.
Other names: c.337G>A, p.Glu113Lys (NM_001267722.2); short protein forms E113K.
Identifiers: ClinVar variation 3359340 (VCV003359340.2).
Genomic context (GRCh38, chr4:56,471,826, plus strand): 5'-AGAATTGAGAATGCCTTGAAGACAATAGAAAGTGCCAACCAGCAGACAGACAAACTGAAG[G>A]AGCTTTATGGACAAGTGGTAATTACTGCTTTTAAATACATGTTGACAGTGATACTGAGTG-3'
Protein context (NP_008878.3, residues 103-123): SANQQTDKLK[Glu113Lys]LYGQVLYRLE

ClinVar aggregate classification (germline): Uncertain significance. Review status: criteria provided, multiple submitters, no conflicts (2 of 4 stars). 2 submissions from 2 submitters: Uncertain significance (2). Last evaluated 2025-01-17.

Submissions (2):

Ambry Genetics
Classification: Uncertain significance. Last evaluated: 2025-01-17. Review status: criteria provided, single submitter. Criteria: Ambry Variant Classification Scheme 2023. Collection method: clinical testing. Allele origin: germline.
Comment: The p.E113K variant (also known as c.337G>A), located in coding exon 3 of the SRP72 gene, results from a G to A substitution at nucleotide position 337. The glutamic acid at codon 113 is replaced by lysine, an amino acid with similar properties. This amino acid position is conserved. In addition, this alteration is predicted to be deleterious by in silico analysis. Based on the available evidence, the clinical significance of this variant remains unclear.

GeneDx
Classification: Uncertain significance. Last evaluated: 2023-05-30. Review status: criteria provided, single submitter. Criteria: GeneDx Variant Classification Process June 2021. Collection method: clinical testing. Allele origin: germline. Affected: yes.
Comment: Not observed at significant frequency in large population cohorts (gnomAD); In silico analysis supports that this missense variant has a deleterious effect on protein structure/function; Has not been previously published as pathogenic or benign to our knowledge; This variant is associated with the following publications: (PMID: 28369529, 27899666)